The following is an entry in ClinVar:

ClinVar aggregate classification (germline): Likely benign (0 of 4 stars; one submission).

Conditions:
PON1-related disorder. Also called: PON1-related condition.

Allele frequency attached by ClinVar (database versions not stated): ExAC 0.00007; TOPMed 0.00011; gnomAD 0.00012; gnomAD exomes 0.00016; ESP Exome Variant Server 0.00023.
gnomAD v4.1: 245 of 1,613,942 alleles (0.015%); highest among the groups gnomAD compares: Middle Eastern, 0.082%; no homozygotes.

Submission:

PreventionGenetics, part of Exact Sciences
Classification: Likely benign for PON1-related condition. Last evaluated: 2019-03-18. Review status: no assertion criteria provided. Collection method: clinical testing. Allele origin: germline.
Comment: This variant is classified as likely benign based on ACMG/AMP sequence variant interpretation guidelines (Richards et al. 2015 PMID: 25741868, with internal and published modifications).

NM_000446.7(PON1):c.609G>A (p.Ser203=)

Gene: PON1 (paraoxonase 1; minus strand). Cytogenetic location: 7q21.3.
Variant type: single nucleotide variant.
Coding change: c.609G>A on transcript NM_000446.7 (MANE Select); coding-DNA position 609, G replaced by A.
Protein change: p.Ser203=; no amino-acid change (serine 203 retained).
Molecular consequence: synonymous variant.
Genome position (GRCh38, 1-based): chr7:95,308,100, C>T on the plus strand (G>A on the coding strand, the complement: PON1 is on the minus strand). VCF-style: chr7-95308100-C-T. GRCh37 (hg19) VCF-style: chr7-94937412-C-T.
Identifiers: ClinVar variation 3058100 (VCV003058100.2), dbSNP rs141624867, ClinGen allele CA4350245.